The following is an entry in ClinVar:

NM_022726.4(ELOVL4):c.584T>C (p.Met195Thr)

Gene: ELOVL4 (ELOVL fatty acid elongase 4; minus strand). Cytogenetic location: 6q14.1.
Variant type: single nucleotide variant.
Coding change: c.584T>C on transcript NM_022726.4 (MANE Select); coding-DNA position 584, T replaced by C.
Protein change: p.Met195Thr; replaces methionine 195 with threonine.
Molecular consequence: missense variant.
Genome position (GRCh38, 1-based): chr6:79,919,505, A>G on the plus strand (T>C on the coding strand, the complement: ELOVL4 is on the minus strand). VCF-style: chr6-79919505-A-G. GRCh37 (hg19) VCF-style: chr6-80629222-A-G.
Other names: short protein forms M195T.
Identifiers: ClinVar variation 1365527 (VCV001365527.8), dbSNP rs2127698049, ClinGen allele CA364656316.

ClinVar aggregate classification (germline): Uncertain significance (1 of 4 stars; one submission).

Submission:

Labcorp Genetics (formerly Invitae), Labcorp
Classification: Uncertain significance. Last evaluated: 2024-04-05. Review status: criteria provided, single submitter. Criteria: Invitae Variant Classification Sherloc (09022015). Collection method: clinical testing. Allele origin: germline.
Comment: This sequence change replaces methionine, which is neutral and non-polar, with threonine, which is neutral and polar, at codon 195 of the ELOVL4 protein (p.Met195Thr). This variant is not present in population databases (gnomAD no frequency). This variant has not been reported in the literature in individuals affected with ELOVL4-related conditions. ClinVar contains an entry for this variant (Variation ID: 1365527). Advanced modeling of protein sequence and biophysical properties (such as structural, functional, and spatial information, amino acid conservation, physicochemical variation, residue mobility, and thermodynamic stability) performed at Invitae indicates that this missense variant is expected to disrupt ELOVL4 protein function with a positive predictive value of 80%. In summary, the available evidence is currently insufficient to determine the role of this variant in disease. Therefore, it has been classified as a Variant of Uncertain Significance.